The following is an entry in ClinVar:

NM_004168.4(SDHA):c.552G>A (p.Gly184=)

Gene: SDHA (succinate dehydrogenase complex flavoprotein subunit A; plus strand). Cytogenetic location: 5p15.33.
Variant type: single nucleotide variant.
Coding change: c.552G>A on transcript NM_004168.4 (MANE Select); coding-DNA position 552, G replaced by A.
Protein change: p.Gly184=; no amino-acid change (glycine 184 retained).
Molecular consequence: synonymous variant.
Genome position (GRCh38, 1-based): chr5:225,978, G>A. VCF-style: chr5-225978-G-A. GRCh37 (hg19) VCF-style: chr5-226093-G-A.
Other names: c.408G>A, p.Gly136= (NM_001294332.2); c.552G>A, p.Gly184= (NM_001330758.2).
Identifiers: ClinVar variation 702507 (VCV000702507.16), dbSNP rs147444427, ClinGen allele CA3172875.

ClinVar aggregate classification (germline): Benign/Likely benign. Review status: criteria provided, multiple submitters, no conflicts (2 of 4 stars). 4 submissions from 4 submitters: Benign (1); Likely benign (2). 1 of the submissions does not count toward it. Last evaluated 2026-01-04.

Conditions:
Hereditary cancer-predisposing syndrome. Also called: Tumor predisposition; Neoplastic Syndromes, Hereditary; Hereditary Cancer Syndrome; Hereditary neoplastic syndrome. Identifiers: Orphanet 140162, MedGen C0027672, MeSH D009386, MONDO:0015356.
SDHA-related disorder. Also called: SDHA-related disorders; SDHA-related condition.
Pheochromocytoma/paraganglioma syndrome 5. Also called: Paragangliomas 5; SDHA-Related Hereditary Paraganglioma-Pheochromocytoma Syndrome. Identifiers: Orphanet 29072, MedGen C3279992, MONDO:0013602, OMIM 614165.
Mitochondrial complex II deficiency, nuclear type 1. Also called: SUCCINATE CoQ REDUCTASE DEFICIENCY. Identifiers: Orphanet 3208, MedGen C5700310, MONDO:0100294, OMIM 252011.

Allele frequency attached by ClinVar (database versions not stated): gnomAD exomes 0.00003 and below 0.00001; ExAC 0.00005; TOPMed 0.00006; gnomAD 0.00008 and 0.00009; ESP Exome Variant Server 0.00015.
gnomAD v4.1: 29 of 1,614,142 alleles (0.0018%); highest among the groups gnomAD compares: African/African-American, 0.027%; 1 homozygote.

Submissions (4):

Labcorp Genetics (formerly Invitae), Labcorp
Classification: Likely benign for Pheochromocytoma/paraganglioma syndrome 5; Mitochondrial complex II deficiency, nuclear type 1. Last evaluated: 2026-01-04. Review status: criteria provided, single submitter. Criteria: Invitae Variant Classification Sherloc (09022015). Collection method: clinical testing. Allele origin: germline.

Myriad Genetics, Inc.
Classification: Benign for Pheochromocytoma/paraganglioma syndrome 5. Last evaluated: 2025-02-28. Review status: criteria provided, single submitter. Criteria: Myriad Autosomal Dominant, Autosomal Recessive and X-Linked Classification Criteria (2023). Collection method: clinical testing. Allele origin: unknown.
Comment: This variant is considered benign. This variant is a silent/synonymous amino acid change and it is not expected to impact splicing.

Ambry Genetics
Classification: Likely benign for Hereditary cancer-predisposing syndrome. Last evaluated: 2020-03-03. Review status: criteria provided, single submitter. Criteria: Ambry Variant Classification Scheme 2023. Collection method: clinical testing. Allele origin: germline.

PreventionGenetics, part of Exact Sciences
Classification: Likely benign for SDHA-related condition. Last evaluated: 2023-12-04. Review status: no assertion criteria provided. Collection method: clinical testing. Allele origin: germline. Not counted in ClinVar's aggregate classification.
Comment: This variant is classified as likely benign based on ACMG/AMP sequence variant interpretation guidelines (Richards et al. 2015 PMID: 25741868, with internal and published modifications).